The following is an entry in ClinVar:

NM_003922.4(HERC1):c.3619C>T (p.Gln1207Ter)

Gene: HERC1 (HECT and RLD domain containing E3 ubiquitin protein ligase family member 1; minus strand). Cytogenetic location: 15q22.31.
Variant type: single nucleotide variant.
Coding change: c.3619C>T on transcript NM_003922.4 (MANE Select); coding-DNA position 3619, C replaced by T.
Protein change: p.Gln1207Ter; replaces glutamine 1207 with a stop codon.
Molecular consequence: nonsense.
Genome position (GRCh38, 1-based): chr15:63,723,305, G>A on the plus strand (C>T on the coding strand, the complement: HERC1 is on the minus strand). VCF-style: chr15-63723305-G-A. GRCh37 (hg19) VCF-style: chr15-64015504-G-A.
Other names: short protein forms Q1207*.
Identifiers: ClinVar variation 4767099 (VCV004767099.1).
Genomic context (GRCh38, chr15:63,723,305, plus strand): 5'-CCAATGCCAAGTCTACATAGACAGCAATTTCAGGCCGCAATTTATAATCAAAAGGCTTCT[G>A]TTCTTCATTTCCAGAAAGTGCTACTTCTAACAGGCAACTCATACATTTATCTAAAAAAAA-3'

ClinVar aggregate classification (germline): Pathogenic (1 of 4 stars; one submission).

Submission:

Labcorp Genetics (formerly Invitae), Labcorp
Classification: Pathogenic. Last evaluated: 2025-05-01. Review status: criteria provided, single submitter. Criteria: Invitae Variant Classification Sherloc (09022015). Collection method: clinical testing. Allele origin: germline.
Comment: This sequence change creates a premature translational stop signal (p.Gln1207*) in the HERC1 gene. It is expected to result in an absent or disrupted protein product. Loss-of-function variants in HERC1 are known to be pathogenic (PMID: 26138117, 26153217, 27108999). This variant is not present in population databases (gnomAD no frequency). This variant has not been reported in the literature in individuals affected with HERC1-related conditions. Algorithms developed to predict the effect of sequence changes on RNA splicing suggest that this variant may disrupt the consensus splice site. For these reasons, this variant has been classified as Pathogenic.

Literature cited by the submitters: PubMed 26138117; PubMed 26153217; PubMed 27108999.